The following is an entry in ClinVar:

ClinVar aggregate classification (germline): Benign/Likely benign. Review status: criteria provided, multiple submitters, no conflicts (2 of 4 stars). 4 submissions from 4 submitters: Benign (2); Likely benign (2). Last evaluated 2026-08-01.

Allele frequency attached by ClinVar (database versions not stated): gnomAD exomes 0.00031; ExAC 0.00042; 1000 Genomes Project 30x 0.00047; 1000 Genomes Project 0.00060; ESP Exome Variant Server 0.00092; gnomAD 0.00109 and 0.00121; TOPMed 0.00141.
gnomAD v4.1: 311 of 1,612,636 alleles (0.019%); highest among the groups gnomAD compares: African/African-American, 0.35%; 3 homozygotes.

Submissions (4):

CeGaT Center for Human Genetics Tuebingen
Classification: Likely benign. Last evaluated: 2026-08-01. Review status: criteria provided, single submitter. Criteria: CeGaT Center For Human Genetics Tuebingen Variant Classification Criteria Version 2. Collection method: clinical testing. Allele origin: germline. Affected: yes. Observed: 1 variant allele.
Comment: PRPF8: BP4, BP7, BS1

Labcorp Genetics (formerly Invitae), Labcorp
Classification: Benign. Last evaluated: 2025-12-17. Review status: criteria provided, single submitter. Criteria: Invitae Variant Classification Sherloc (09022015). Collection method: clinical testing. Allele origin: germline.

Blueprint Genetics
Classification: Benign. Last evaluated: 2024-09-11. Review status: criteria provided, single submitter. Criteria: ACMG Guidelines, 2015. Collection method: clinical testing. Allele origin: germline.

Eurofins Ntd Llc (ga)
Classification: Likely benign. Last evaluated: 2016-04-05. Review status: criteria provided, single submitter. Criteria: EGL Classification Definitions 2015. Collection method: clinical testing. Allele origin: germline. Observed: 2 variant alleles, 2 heterozygotes.

NM_006445.4(PRPF8):c.52C>T (p.Leu18=)

Gene: PRPF8 (pre-mRNA processing factor 8; minus strand). Cytogenetic location: 17p13.3.
Variant type: single nucleotide variant.
Coding change: c.52C>T on transcript NM_006445.4 (MANE Select); coding-DNA position 52, C replaced by T.
Protein change: p.Leu18=; no amino-acid change (leucine 18 retained).
Molecular consequence: synonymous variant.
Genome position (GRCh38, 1-based): chr17:1,684,520, G>A on the plus strand (C>T on the coding strand, the complement: PRPF8 is on the minus strand). VCF-style: chr17-1684520-G-A. GRCh37 (hg19) VCF-style: chr17-1587814-G-A.
Identifiers: ClinVar variation 167541 (VCV000167541.12), dbSNP rs148531352, ClinGen allele CA234732.